The following is an entry in ClinVar:

ClinVar aggregate classification (germline): Uncertain significance (1 of 4 stars; one submission).

Allele frequency attached by ClinVar (database versions not stated): gnomAD exomes below 0.00001; TOPMed 0.00002; gnomAD 0.00002.
gnomAD v4.1: 9 of 1,613,732 alleles (0.00056%); highest among the groups gnomAD compares: Admixed American, 0.0017%; no homozygotes.

Submission:

Labcorp Genetics (formerly Invitae), Labcorp
Classification: Uncertain significance. Last evaluated: 2025-08-15. Review status: criteria provided, single submitter. Criteria: Invitae Variant Classification Sherloc (09022015). Collection method: clinical testing. Allele origin: germline.
Comment: This sequence change replaces serine, which is neutral and polar, with asparagine, which is neutral and polar, at codon 130 of the ZNF143 protein (p.Ser130Asn). This variant is present in population databases (no rsID available, gnomAD 0.003%). This variant has not been reported in the literature in individuals affected with ZNF143-related conditions. ClinVar contains an entry for this variant (Variation ID: 2998101). An algorithm developed to predict the effect of missense changes on protein structure and function (PolyPhen-2) suggests that this variant is likely to be tolerated. In summary, the available evidence is currently insufficient to determine the role of this variant in disease. Therefore, it has been classified as a Variant of Uncertain Significance.

NM_003442.6(ZNF143):c.389G>A (p.Ser130Asn)

Gene: ZNF143 (zinc finger protein 143; plus strand). Cytogenetic location: 11p15.4.
Variant type: single nucleotide variant.
Coding change: c.389G>A on transcript NM_003442.6 (MANE Select); coding-DNA position 389, G replaced by A.
Protein change: p.Ser130Asn; replaces serine 130 with asparagine.
Molecular consequence: missense variant.
Genome position (GRCh38, 1-based): chr11:9,478,405, G>A. VCF-style: chr11-9478405-G-A. GRCh37 (hg19) VCF-style: chr11-9499952-G-A.
Other names: c.386G>A, p.Ser129Asn (NM_001282656.2); c.296G>A, p.Ser99Asn (NM_001282657.2); short protein forms S129N, S130N, S99N.
Identifiers: ClinVar variation 2998101 (VCV002998101.3), dbSNP rs963671881, ClinGen allele CA217591168.